The following is an entry in ClinVar:

NM_001148.6(ANK2):c.6103C>T (p.Pro2035Ser)

Genes: ANK2 (ankyrin 2; plus strand), LOC126807136 (MED14-independent group 3 enhancer GRCh37_chr4:114274931-114276130; plus strand). Cytogenetic location: 4q26.
Variant type: single nucleotide variant.
Coding change: c.6103C>T on transcript NM_001148.6 (MANE Select); coding-DNA position 6103, C replaced by T.
Protein change: p.Pro2035Ser; replaces proline 2035 with serine.
Molecular consequence: missense variant. On other transcripts: intron variant (68).
Genome position (GRCh38, 1-based): chr4:113,354,721, C>T. VCF-style: chr4-113354721-C-T. GRCh37 (hg19) VCF-style: chr4-114275877-C-T.
Other names: c.4252+4472C>T (NM_001386147.1); c.4270+4472C>T (NM_001386160.1); c.4375+4472C>T (NM_001354254.2); c.4396+4472C>T (NM_001354239.2, NM_001354252.2); c.4297+4472C>T (NM_001354272.2); c.4360+4472C>T (NM_001354244.2, NM_001354256.2, NM_001386161.1); c.4399+4472C>T (NM_001127493.3); c.4363+4472C>T (NM_001386143.1, NM_001354243.2, NM_001354255.2); and 35 more; short protein forms P2082S, P835S, P1957S, P2074S, P2035S.
Identifiers: ClinVar variation 3863957 (VCV003863957.1).

ClinVar aggregate classification (germline): Uncertain significance (1 of 4 stars; one submission).

Conditions:
Cardiovascular phenotype. Identifiers: MedGen CN230736.

Submission:

Ambry Genetics
Classification: Uncertain significance for Cardiovascular phenotype. Last evaluated: 2024-12-29. Review status: criteria provided, single submitter. Criteria: Ambry Variant Classification Scheme 2023. Collection method: clinical testing. Allele origin: germline.
Comment: The p.P2035S variant (also known as c.6103C>T), located in coding exon 38 of the ANK2 gene, results from a C to T substitution at nucleotide position 6103. The proline at codon 2035 is replaced by serine, an amino acid with similar properties. This amino acid position is conserved. In addition, this alteration is predicted to be tolerated by in silico analysis. Based on the available evidence, the clinical significance of this variant remains unclear.